The following is an entry in ClinVar:

NM_002317.7(LOX):c.1123A>C (p.Ile375Leu)

Genes: LOX (lysyl oxidase; minus strand), SRFBP1 (serum response factor binding protein 1; plus strand). Cytogenetic location: 5q23.1.
Variant type: single nucleotide variant.
Coding change: c.1123A>C on transcript NM_002317.7 (MANE Select); coding-DNA position 1123, A replaced by C.
Protein change: p.Ile375Leu; replaces isoleucine 375 with leucine.
Molecular consequence: missense variant.
Genome position (GRCh38, 1-based): chr5:122,070,502, T>G on the plus strand (A>C on the coding strand, the complement: LOX is on the minus strand). VCF-style: chr5-122070502-T-G. GRCh37 (hg19) VCF-style: chr5-121406197-T-G.
Other names: c.433A>C, p.Ile145Leu (NM_001178102.2); c.232A>C, p.Ile78Leu (NM_001317073.1); c.1123A>C (NM_002317.5); short protein forms I145L, I375L, I78L.
Identifiers: ClinVar variation 1712227 (VCV001712227.3), dbSNP rs1561417505, ClinGen allele CA360880400.
Genomic context (GRCh38, chr5:122,070,502, plus strand): 5'-GGGCCTATTGATCTGCAATATCAATATATGATATATTTTCAAAGGTCTTTACCTTTAGGA[T>G]ATAGTTTCCAGGTTTTACATCTGTAATATCAATCCACTGGCAGTCTATGTCTGCACCATA-3'
Protein context (NP_002308.2, residues 365-385): DITDVKPGNY[Ile375Leu]LKVSVNPSYL

ClinVar aggregate classification (germline): Uncertain significance. Review status: criteria provided, multiple submitters, no conflicts (2 of 4 stars). 2 submissions from 2 submitters: Uncertain significance (2). Last evaluated 2026-01-12.

Conditions:
Cardiovascular phenotype. Identifiers: MedGen CN230736.

Allele frequency attached by ClinVar (database versions not stated): TOPMed below 0.00001.
gnomAD v4.1: 4 of 1,583,002 alleles (0.00025%); highest among the groups gnomAD compares: Non-Finnish European, 0.00035%; no homozygotes.

Submissions (2):

Ambry Genetics
Classification: Uncertain significance for Cardiovascular phenotype. Last evaluated: 2026-01-12. Review status: criteria provided, single submitter. Criteria: Ambry Variant Classification Scheme 2023. Collection method: clinical testing. Allele origin: germline.
Comment: The p.I375L variant (also known as c.1123A>C), located in coding exon 5 of the LOX gene, results from an A to C substitution at nucleotide position 1123. The isoleucine at codon 375 is replaced by leucine, an amino acid with highly similar properties. This amino acid position is conserved. In addition, the in silico prediction for this alteration is inconclusive. Based on the available evidence, the clinical significance of this variant remains unclear.

GeneDx
Classification: Uncertain significance. Last evaluated: 2022-04-22. Review status: criteria provided, single submitter. Criteria: GeneDx Variant Classification Process June 2021. Collection method: clinical testing. Allele origin: germline. Affected: yes.
Comment: Has not been previously published as pathogenic or benign to our knowledge; In silico analysis supports that this missense variant does not alter protein structure/function; Not observed at significant frequency in large population cohorts (gnomAD)